The following is an entry in ClinVar:

ClinVar aggregate classification (germline): Uncertain significance (1 of 4 stars; one submission).

Conditions:
Hereditary cancer-predisposing syndrome. Also called: Tumor predisposition; Hereditary Cancer Syndrome; Hereditary neoplastic syndrome; Neoplastic Syndromes, Hereditary. Identifiers: Orphanet 140162, MedGen C0027672, MeSH D009386, MONDO:0015356.

Submission:

Ambry Genetics
Classification: Uncertain significance for Hereditary cancer-predisposing syndrome. Last evaluated: 2026-02-18. Review status: criteria provided, single submitter. Criteria: Ambry Variant Classification Scheme 2023. Collection method: clinical testing. Allele origin: germline.
Comment: The p.T100I variant (also known as c.299C>T), located in coding exon 3 of the SDHA gene, results from a C to T substitution at nucleotide position 299. The threonine at codon 100 is replaced by isoleucine, an amino acid with similar properties. This amino acid position is highly conserved in available vertebrate species. In addition, this alteration is predicted to be deleterious by in silico analysis. Based on the available evidence, the clinical significance of this variant remains unclear.

NM_004168.4(SDHA):c.299C>T (p.Thr100Ile)

Gene: SDHA (succinate dehydrogenase complex flavoprotein subunit A; plus strand). Cytogenetic location: 5p15.33.
Variant type: single nucleotide variant.
Coding change: c.299C>T on transcript NM_004168.4 (MANE Select); coding-DNA position 299, C replaced by T.
Protein change: p.Thr100Ile; replaces threonine 100 with isoleucine.
Molecular consequence: missense variant.
Genome position (GRCh38, 1-based): chr5:224,508, C>T. VCF-style: chr5-224508-C-T. GRCh37 (hg19) VCF-style: chr5-224623-C-T.
Other names: c.299C>T, p.Thr100Ile (NM_001294332.2, NM_001330758.2); short protein forms T100I.
Identifiers: ClinVar variation 1798612 (VCV001798612.3), dbSNP rs2126543324, ClinGen allele CA359008673.
Genomic context (GRCh38, chr5:224,508, plus strand): 5'-TTTCTGAGGCAGGGTTTAATACAGCATGTGTTACCAAGCTGTTTCCTACCAGGTCACACA[C>T]TGTTGCAGCACAGGTAAGAGAAAGGTGCCCCACTGTGCTCCCACTCCGTGCAGGTCCCGC-3'
Protein context (NP_004159.2, residues 90-110): VTKLFPTRSH[Thr100Ile]VAAQGGINAA